The following is an entry in ClinVar:

NM_001370.2(DNAH6):c.8695G>A (p.Glu2899Lys)

Gene: DNAH6 (dynein axonemal heavy chain 6; plus strand). Cytogenetic location: 2p11.2.
Variant type: single nucleotide variant.
Coding change: c.8695G>A on transcript NM_001370.2 (MANE Select); coding-DNA position 8695, G replaced by A.
Protein change: p.Glu2899Lys; replaces glutamic acid 2899 with lysine.
Molecular consequence: missense variant.
Genome position (GRCh38, 1-based): chr2:84,705,715, G>A. VCF-style: chr2-84705715-G-A. GRCh37 (hg19) VCF-style: chr2-84932839-G-A.
Other names: short protein forms E2899K.
Identifiers: ClinVar variation 2238483 (VCV002238483.26), dbSNP rs1483469749, ClinGen allele CA347530717.
Genomic context (GRCh38, chr2:84,705,715, plus strand): 5'-AAATCTATGTGCATGTGGGTAAGAGCTATGGATTTGTACTCTCGAGTGGTCAAGGTCGTC[G>A]AACCAAAAAGACAAAAGCTCCGCGCCGCACAGGTACATTTTCTGTATTGTGATATTTTAT-3'
Protein context (NP_001361.1, residues 2889-2909): DLYSRVVKVV[Glu2899Lys]PKRQKLRAAQ

ClinVar aggregate classification (germline): Uncertain significance. Review status: criteria provided, multiple submitters, no conflicts (2 of 4 stars). 2 submissions from 2 submitters: Uncertain significance (2). Last evaluated 2022-04-01.

gnomAD v4.1: 26 of 1,550,266 alleles (0.0017%); highest among the groups gnomAD compares: Middle Eastern, 0.033%; no homozygotes.

Submissions (2):

CeGaT Center for Human Genetics Tuebingen
Classification: Uncertain significance. Last evaluated: 2022-04-01. Review status: criteria provided, single submitter. Criteria: CeGaT Center For Human Genetics Tuebingen Variant Classification Criteria Version 2. Collection method: clinical testing. Allele origin: germline. Affected: yes. Observed: 1 variant allele.
Comment: DNAH6: PP2

Ambry Genetics
Classification: Uncertain significance. Last evaluated: 2021-07-20. Review status: criteria provided, single submitter. Criteria: Ambry Variant Classification Scheme 2023. Collection method: clinical testing. Allele origin: germline.